The following is an entry in ClinVar:

NM_000126.4(ETFA):c.784C>T (p.Gln262Ter)

Gene: ETFA (electron transfer flavoprotein subunit alpha; minus strand). Cytogenetic location: 15q24.2.
Variant type: single nucleotide variant.
Coding change: c.784C>T on transcript NM_000126.4 (MANE Select); coding-DNA position 784, C replaced by T.
Protein change: p.Gln262Ter; replaces glutamine 262 with a stop codon.
Molecular consequence: nonsense.
Genome position (GRCh38, 1-based): chr15:76,274,444, G>A on the plus strand (C>T on the coding strand, the complement: ETFA is on the minus strand). VCF-style: chr15-76274444-G-A. GRCh37 (hg19) VCF-style: chr15-76566785-G-A.
Other names: c.637C>T, p.Gln213Ter (NM_001127716.2); short protein forms Q213*, Q262*.
Identifiers: ClinVar variation 4846790 (VCV004846790.1).

ClinVar aggregate classification (germline): Likely pathogenic (1 of 4 stars; one submission).

Conditions:
Multiple acyl-CoA dehydrogenase deficiency (MADD). Also called: Glutaric acidemia type II; GA 2; ETHYLMALONIC-ADIPICACIDURIA; Glutaric Acidemia type 2; GA II; Glutaric aciduria, type 2. Identifiers: Orphanet 26791, MedGen C0268596, MONDO:0009282, OMIM 231680.

Submission:

Laboratorio de Genetica e Diagnostico Molecular, Hospital Israelita Albert Einstein
Classification: Likely pathogenic for Multiple acyl-CoA dehydrogenase deficiency. Last evaluated: 2026-04-10. Review status: criteria provided, single submitter. Criteria: ACMG Guidelines, 2015. Collection method: clinical testing. Allele origin: germline. Affected: yes.
Comment: ACMG classification criteria: PVS1 very strong, PM2 supporting